The following is an entry in ClinVar:

NM_001447.3(FAT2):c.10544C>T (p.Thr3515Met)

Genes: FAT2 (FAT atypical cadherin 2; minus strand), SLC36A1 (solute carrier family 36 member 1; plus strand), LOC132089193 (Neanderthal introgressed variant-containing enhancer experimental_82555; plus strand). Cytogenetic location: 5q33.1.
Variant type: single nucleotide variant.
Coding change: c.10544C>T on transcript NM_001447.3 (MANE Select); coding-DNA position 10544, C replaced by T.
Protein change: p.Thr3515Met; replaces threonine 3515 with methionine.
Molecular consequence: missense variant.
Genome position (GRCh38, 1-based): chr5:151,522,049, G>A on the plus strand (C>T on the coding strand, the complement: FAT2 is on the minus strand). VCF-style: chr5-151522049-G-A. GRCh37 (hg19) VCF-style: chr5-150901610-G-A.
Other names: short protein forms T3515M.
Identifiers: ClinVar variation 2173071 (VCV002173071.5), dbSNP rs142141788, ClinGen allele CA3520211.

ClinVar aggregate classification (germline): Conflicting classifications of pathogenicity. Review status: criteria provided, conflicting classifications (1 of 4 stars). 2 submissions from 2 submitters: Uncertain significance (1); Likely benign (1). Last evaluated 2024-10-25.

Allele frequency attached by ClinVar (database versions not stated): gnomAD 0.00011; TOPMed 0.00011; ExAC 0.00012; 1000 Genomes Project 30x 0.00016; 1000 Genomes Project 0.00020; ESP Exome Variant Server 0.00023; gnomAD exomes 0.00038.
gnomAD v4.1: 556 of 1,605,008 alleles (0.035%); highest among the groups gnomAD compares: Non-Finnish European, 0.046%; 1 homozygote.

Submissions (2):

Blueprint Genetics
Classification: Likely benign. Last evaluated: 2024-10-25. Review status: criteria provided, single submitter. Criteria: ACMG Guidelines, 2015. Collection method: clinical testing. Allele origin: germline.

Labcorp Genetics (formerly Invitae), Labcorp
Classification: Uncertain significance. Last evaluated: 2024-10-22. Review status: criteria provided, single submitter. Criteria: Invitae Variant Classification Sherloc (09022015). Collection method: clinical testing. Allele origin: germline.
Comment: This sequence change replaces threonine, which is neutral and polar, with methionine, which is neutral and non-polar, at codon 3515 of the FAT2 protein (p.Thr3515Met). This variant is present in population databases (rs142141788, gnomAD 0.03%). This variant has not been reported in the literature in individuals affected with FAT2-related conditions. ClinVar contains an entry for this variant (Variation ID: 2173071). An algorithm developed to predict the effect of missense changes on protein structure and function (PolyPhen-2) suggests that this variant is likely to be disruptive. In summary, the available evidence is currently insufficient to determine the role of this variant in disease. Therefore, it has been classified as a Variant of Uncertain Significance.